The following is an entry in ClinVar:

ClinVar aggregate classification (germline): Likely benign. Review status: criteria provided, single submitter (1 of 4 stars). 2 submissions from 2 submitters: Likely benign (1). 1 of the submissions does not count toward it. Last evaluated 2025-08-12.

Conditions:
LRPPRC-related disorder. Also called: LRPPRC-related condition.

gnomAD v4.1: 5 of 1,461,204 alleles (0.00034%); highest among the groups gnomAD compares: Middle Eastern, 0.035%; no homozygotes.

Submissions (2):

Labcorp Genetics (formerly Invitae), Labcorp
Classification: Likely benign. Last evaluated: 2025-08-12. Review status: criteria provided, single submitter. Criteria: Invitae Variant Classification Sherloc (09022015). Collection method: clinical testing. Allele origin: germline.

PreventionGenetics, part of Exact Sciences
Classification: Likely benign for LRPPRC-related condition. Last evaluated: 2019-04-09. Review status: no assertion criteria provided. Collection method: clinical testing. Allele origin: germline. Not counted in ClinVar's aggregate classification.
Comment: This variant is classified as likely benign based on ACMG/AMP sequence variant interpretation guidelines (Richards et al. 2015 PMID: 25741868, with internal and published modifications).

NM_133259.4(LRPPRC):c.651-10T>A

Gene: LRPPRC (leucine rich pentatricopeptide repeat containing; minus strand). Cytogenetic location: 2p21.
Variant type: single nucleotide variant.
Coding change: c.651-10T>A on transcript NM_133259.4 (MANE Select); 10 bases into the intron before coding-DNA position 651, T replaced by A.
Molecular consequence: intron variant.
Genome position (GRCh38, 1-based): chr2:43,976,239, A>T on the plus strand (T>A on the coding strand, the complement: LRPPRC is on the minus strand). VCF-style: chr2-43976239-A-T. GRCh37 (hg19) VCF-style: chr2-44203378-A-T.
Other names: c.651-10T>A (NM_133259.3).
Identifiers: ClinVar variation 1603555 (VCV001603555.10), dbSNP rs757388941, ClinGen allele CA1639257.
Genomic context (GRCh38, chr2:43,976,239, plus strand): 5'-ACTGCCTCTGTAACTGGGAGATCCTTAGTTTTCATAAATCCAAGAATCTTGCTGCAAAGG[A>T]AAAACGAAGATACTCATTGAAAGTATTTATAAGAACACTCTTTACAACATGTACAGAATT-3'